The following is an entry in ClinVar:

NM_000038.6(APC):c.1138C>T (p.Arg380Trp)

Gene: APC (APC regulator of Wnt signaling pathway; plus strand). Cytogenetic location: 5q22.2.
Variant type: single nucleotide variant.
Coding change: c.1138C>T on transcript NM_000038.6 (MANE Select); coding-DNA position 1138, C replaced by T.
Protein change: p.Arg380Trp; replaces arginine 380 with tryptophan.
Molecular consequence: missense variant. On other transcripts: intron variant (4).
Genome position (GRCh38, 1-based): chr5:112,819,170, C>T. VCF-style: chr5-112819170-C-T. GRCh37 (hg19) VCF-style: chr5-112154867-C-T.
Other names: c.1138C>T, p.Arg380Trp (NM_001127510.3, NM_001354895.2, NM_001354896.2); c.1084C>T, p.Arg362Trp (NM_001127511.3); c.1168C>T, p.Arg390Trp (NM_001354897.2); c.1063C>T, p.Arg355Trp (NM_001354898.2); c.1054C>T, p.Arg352Trp (NM_001354899.2); c.961C>T, p.Arg321Trp (NM_001354900.2, NM_001354901.2); c.289C>T, p.Arg97Trp (NM_001354906.2); c.964-99C>T (NM_001354902.2); and 3 more; short protein forms R97W, R321W, R352W, R380W, R390W, R355W, R362W.
Identifiers: ClinVar variation 843441 (VCV000843441.17), dbSNP rs1436383065, ClinGen allele CA16023801.

ClinVar aggregate classification (germline): Uncertain significance. Review status: criteria provided, multiple submitters, no conflicts (2 of 4 stars). 5 submissions from 5 submitters: Uncertain significance (5). Last evaluated 2025-12-21.

Conditions:
Classic or attenuated familial adenomatous polyposis. Identifiers: MedGen CN372698, MONDO:0021057.
Familial adenomatous polyposis 1 (FAP1). Also called: FAMILIAL ADENOMATOUS POLYPOSIS 1, ATTENUATED; POLYPOSIS, ADENOMATOUS INTESTINAL. Identifiers: MedGen C2713442, MONDO:0021056, OMIM 175100. Disease mechanism: loss of function.
Hereditary cancer-predisposing syndrome. Also called: Hereditary Cancer Syndrome; Hereditary neoplastic syndrome; Tumor predisposition; Neoplastic Syndromes, Hereditary. Identifiers: Orphanet 140162, MedGen C0027672, MeSH D009386, MONDO:0015356.

Allele frequency attached by ClinVar (database versions not stated): gnomAD exomes below 0.00001.
gnomAD v4.1: 7 of 1,613,982 alleles (0.00043%); highest among the groups gnomAD compares: Admixed American, 0.0017%; no homozygotes.

Submissions (5):

Labcorp Genetics (formerly Invitae), Labcorp
Classification: Uncertain significance for Familial adenomatous polyposis 1. Last evaluated: 2025-12-21. Review status: criteria provided, single submitter. Criteria: Invitae Variant Classification Sherloc (09022015). Collection method: clinical testing. Allele origin: germline.
Comment: This sequence change replaces arginine, which is basic and polar, with tryptophan, which is neutral and slightly polar, at codon 380 of the APC protein (p.Arg380Trp). This variant is present in population databases (no rsID available, gnomAD 0.003%). This variant has not been reported in the literature in individuals affected with APC-related conditions. ClinVar contains an entry for this variant (Variation ID: 843441). Invitae Evidence Modeling of protein sequence and biophysical properties (such as structural, functional, and spatial information, amino acid conservation, physicochemical variation, residue mobility, and thermodynamic stability) indicates that this missense variant is not expected to disrupt APC protein function with a negative predictive value of 95%. In summary, the available evidence is currently insufficient to determine the role of this variant in disease. Therefore, it has been classified as a Variant of Uncertain Significance.

Ambry Genetics
Classification: Uncertain significance for Hereditary cancer-predisposing syndrome. Last evaluated: 2024-07-29. Review status: criteria provided, single submitter. Criteria: Ambry Variant Classification Scheme 2023. Collection method: clinical testing. Allele origin: germline.
Comment: The p.R380W variant (also known as c.1138C>T), located in coding exon 9 of the APC gene, results from a C to T substitution at nucleotide position 1138. The arginine at codon 380 is replaced by tryptophan, an amino acid with dissimilar properties. Missense alterations in APC are not a common cause of disease (Spier I et al. Genet Med. 2024 Feb;26(2):100992). This amino acid position is highly conserved in available vertebrate species. In addition, in silico predictors for this gene do not accurately predict pathogenicity. Based on the available evidence, the clinical significance of this variant remains unclear.

All of Us Research Program, National Institutes of Health
Classification: Uncertain significance for Classic or attenuated familial adenomatous polyposis. Last evaluated: 2024-03-05. Review status: criteria provided, single submitter. Criteria: ACMG Guidelines, 2015. Collection method: clinical testing. Allele origin: germline. Inheritance: Autosomal dominant inheritance. Observed: 1 variant allele, 1 heterozygote.
Comment: This missense variant replaces arginine with tryptophan at codon 380 of the APC protein. Computational prediction is inconclusive regarding the impact of this variant on protein structure and function (internally defined REVEL score threshold 0.5 < inconclusive < 0.7, PMID: 27666373). To our knowledge, functional studies have not been reported for this variant. This variant has not been reported as a germline variant in individuals affected with hereditary cancer in the literature. This variant has been identified in 1/250766 chromosomes in the general population by the Genome Aggregation Database (gnomAD). The available evidence is insufficient to determine the role of this variant in disease conclusively. Therefore, this variant is classified as a Variant of Uncertain Significance.

This study involves interpretation of variants in research participants for the purpose of population health screening. Participant phenotype was not available at the time of variant classification. Additional details can be found in publication PMID: 35346344, PMCID: PMC8962531

MGZ Medical Genetics Center
Classification: Uncertain significance for Familial adenomatous polyposis 1. Last evaluated: 2022-04-29. Review status: criteria provided, single submitter. Criteria: ACMG Guidelines, 2015. Collection method: clinical testing. Allele origin: germline. Affected: yes. Observed: 1 variant allele.
Comment: ACMG criteria applied: PM2_SUP, PP3

Color Diagnostics, LLC DBA Color Health
Classification: Uncertain significance for Hereditary cancer-predisposing syndrome. Last evaluated: 2020-08-17. Review status: criteria provided, single submitter. Criteria: ACMG Guidelines, 2015. Collection method: clinical testing. Allele origin: germline.
Comment: This missense variant replaces arginine with tryptophan at codon 380 of the APC protein. Computational prediction is inconclusive regarding the impact of this variant on protein structure and function (internally defined REVEL score threshold 0.5 < inconclusive < 0.7, PMID: 27666373). To our knowledge, functional studies have not been reported for this variant. This variant has not been reported as a germline variant in individuals affected with hereditary cancer in the literature. This variant has been identified in 1/250766 chromosomes in the general population by the Genome Aggregation Database (gnomAD). The available evidence is insufficient to determine the role of this variant in disease conclusively. Therefore, this variant is classified as a Variant of Uncertain Significance.